The following is an entry in ClinVar:

NM_000540.3(RYR1):c.12951GCGGCGGCT[1] (p.4318RRL[1])

Gene: RYR1 (ryanodine receptor 1; plus strand). Cytogenetic location: 19q13.2.
Variant type: Microsatellite.
Coding change: c.12951GCGGCGGCT[1] on transcript NM_000540.3 (MANE Select); one copy of the 9-base unit GCGGCGGCT starting at c.12951; the reference has two copies in a row; one copy, 9 bases deleted; also written c.12960_12968del.
Protein change: p.4318RRL[1].
Molecular consequence: inframe deletion.
Genome position (GRCh38, 1-based): chr19:38,565,294-38,565,302, GCGGCGGCT deleted; deleting any 9 consecutive bases within chr19:38,565,284-38,565,302 gives the same sequence; the position shown is the placement nearest the transcript's 3' end. VCF-style (leftmost placement, unchanged base first): chr19-38565283-GTGCGGCGGC-G. GRCh37 (hg19) VCF-style: chr19-39055923-GTGCGGCGGC-G.
Other names: c.12960_12968del (NM_000540.3); c.12960_12968delGCGGCGGCT (NM_000540.2); c.12936GCGGCGGCT[1], p.4313RRL[1] (NM_001042723.2).
Identifiers: ClinVar variation 544390 (VCV000544390.15), dbSNP rs193922846, ClinGen allele CA308109404.

ClinVar aggregate classification (germline): Conflicting classifications of pathogenicity. Review status: criteria provided, conflicting classifications (1 of 4 stars). 6 submissions from 6 submitters: Uncertain significance (5); Likely benign (1). Last evaluated 2026-03-07.

Conditions:
Intellectual disability. Also called: Intellectual functioning disability; intellectual disabilities; Intellectual developmental disorder. Identifiers: MedGen C3714756, MeSH D008607, MONDO:0001071, HP:0001249.
Congenital myopathy with fiber type disproportion. Also called: Congenital fiber-type disproportion; Congenital fiber-type disproportion myopathy. Identifiers: Orphanet 2020, MedGen C0546264, MONDO:0009711. Inheritance: all.
Malignant hyperthermia, susceptibility to, 1 (MHS1). Also called: Malignant hyperthermia suceptibility 1; Anesthesia related hyperthermia; Malignant hyperpyrexia; Fulminating hyperpyrexia; Pharmacogenic myopathy; RYR1-Related Malignant Hyperthermia Susceptibility. Identifiers: Orphanet 423, MedGen C2930980, MONDO:0007783, OMIM 145600.
Central core myopathy (CMYO1A). Also called: Central core disease; Myopathy, central fibrillar; CONGENITAL MYOPATHY 1A, AUTOSOMAL DOMINANT, WITH SUSCEPTIBILITY TO MALIGNANT HYPERTHERMIA. Identifiers: Orphanet 597, MedGen C5830701, MONDO:0007294, OMIM 117000.
Congenital multicore myopathy with external ophthalmoplegia (CMYO1B). Also called: Minicore myopathy with external ophthalmoplegia; MULTIMINICORE DISEASE WITH EXTERNAL OPHTHALMOPLEGIA; MULTICORE MYOPATHY; Congenital myopathy 1B, autosomal recessive; Minicore myopathy. Identifiers: Orphanet 598, Orphanet 98905, MedGen C1850674, MONDO:0009712, OMIM 255320, HP:0003789.
King Denborough syndrome (KDS). Identifiers: MedGen C1840365, MONDO:0020485, OMIM 619542.
RYR1-related disorder. Also called: RYR1-related disorders; RYR1-related condition. Identifiers: MedGen CN239331.

Submissions (6):

GeneDx
Classification: Uncertain significance. Last evaluated: 2026-03-07. Review status: criteria provided, single submitter. Criteria: GeneDx Variant Classification Process June 2021. Collection method: clinical testing. Allele origin: germline.
Comment: Identified in a patient with dilated cardiomyopathy in the published literature and reported as a variant of uncertain significance (PMID: 32969603); In-frame deletion of 3 amino acid(s) in a non-repeat region; In silico analysis suggests that this variant does not alter protein structure/function; This variant is associated with the following publications: (PMID: 32969603)

Labcorp Genetics (formerly Invitae), Labcorp
Classification: Uncertain significance for RYR1-related disorder. Last evaluated: 2024-12-20. Review status: criteria provided, single submitter. Criteria: Invitae Variant Classification Sherloc (09022015). Collection method: clinical testing. Allele origin: germline.
Comment: This variant, c.12960_12968del, results in the deletion of 3 amino acid(s) of the RYR1 protein (p.Arg4321_Leu4323del), but otherwise preserves the integrity of the reading frame. This variant is present in population databases (no rsID available, gnomAD 0.03%). This variant has been observed in individual(s) with nemaline myopathy by muscle biopsy (internal data). ClinVar contains an entry for this variant (Variation ID: 544390). Experimental studies and prediction algorithms are not available or were not evaluated, and the functional significance of this variant is currently unknown. In summary, the available evidence is currently insufficient to determine the role of this variant in disease. Therefore, it has been classified as a Variant of Uncertain Significance.

Fulgent Genetics
Classification: Uncertain significance for Central core myopathy; Malignant hyperthermia, susceptibility to, 1; Congenital myopathy 4A, autosomal dominant; Congenital multicore myopathy with external ophthalmoplegia; King Denborough syndrome. Last evaluated: 2021-07-29. Review status: criteria provided, single submitter. Criteria: ACMG Guidelines, 2015. Collection method: clinical testing. Allele origin: unknown.

Cambridge Genomics Laboratory, East Genomic Laboratory Hub, NHS Genomic Medicine Service
Classification: Likely benign for Intellectual disability. Last evaluated: 2020-01-29. Review status: criteria provided, single submitter. Criteria: ACGS Best Practice Guidelines for Variant Classification in Rare Disease 2020. Collection method: clinical testing. Allele origin: germline. Affected: yes. Observed: 1 variant allele.

Revvity Omics, Revvity
Classification: Uncertain significance. Last evaluated: 2019-06-26. Review status: criteria provided, single submitter. Criteria: ACMG Guidelines, 2015. Collection method: clinical testing. Allele origin: germline.

PreventionGenetics, part of Exact Sciences
Classification: Uncertain significance. Last evaluated: 2015-08-05. Review status: criteria provided, single submitter. Criteria: ACMG Guidelines, 2015. Collection method: clinical testing. Allele origin: germline.